The following is an entry in ClinVar:

ClinVar aggregate classification (germline): Conflicting classifications of pathogenicity. Review status: criteria provided, conflicting classifications (1 of 4 stars). 3 submissions from 3 submitters: Uncertain significance (2); Likely benign (1). Last evaluated 2026-02-11.

Conditions:
Inborn genetic diseases. Identifiers: MedGen C0950123, MeSH D030342.
Thrombocytopenia 2 (THC2). Also called: ANKRD26-Related Thrombocytopenia. Identifiers: Orphanet 268322, MedGen C1861185, MONDO:0008555, OMIM 188000.

Allele frequency attached by ClinVar (database versions not stated): TOPMed 0.00001.

Submissions (3):

St. Jude Molecular Pathology, St. Jude Children's Research Hospital
Classification: Uncertain significance for Thrombocytopenia 2. Last evaluated: 2026-02-11. Review status: criteria provided, single submitter. Criteria: St. Jude Assertion Criteria 2020. Collection method: clinical testing. Allele origin: germline.
Comment: The ANKRD26 c.4900T>C p.(Ser1634Pro) missense change is absent in gnomAD v2.1.1. This variant is not located in the 5' UTR. The in silico tool REVEL predicts a benign effect on protein function, but to our knowledge this prediction has not been confirmed by functional studies. To our knowledge, this variant has not been reported in the literature in individuals with ANKRD26-related thrombocytopenia. In summary, the evidence currently available is insufficient to determine the clinical significance of this variant. It has therefore been classified as of uncertain significance.

Ambry Genetics
Classification: Likely benign for Inborn genetic diseases. Last evaluated: 2024-11-21. Review status: criteria provided, single submitter. Criteria: Ambry Variant Classification Scheme 2023. Collection method: clinical testing. Allele origin: germline.

GeneDx
Classification: Uncertain significance. Last evaluated: 2022-09-02. Review status: criteria provided, single submitter. Criteria: GeneDx Variant Classification Process June 2021. Collection method: clinical testing. Allele origin: germline. Affected: yes.
Comment: Not observed at significant frequency in large population cohorts (gnomAD); In silico analysis supports that this missense variant does not alter protein structure/function; Has not been previously published as pathogenic or benign to our knowledge

NM_014915.3(ANKRD26):c.4900T>C (p.Ser1634Pro)

Gene: ANKRD26 (ankyrin repeat domain 26; minus strand). Cytogenetic location: 10p12.1.
Variant type: single nucleotide variant.
Coding change: c.4900T>C on transcript NM_014915.3 (MANE Select); coding-DNA position 4900, T replaced by C.
Protein change: p.Ser1634Pro; replaces serine 1634 with proline.
Molecular consequence: missense variant.
Genome position (GRCh38, 1-based): chr10:27,012,935, A>G on the plus strand (T>C on the coding strand, the complement: ANKRD26 is on the minus strand). VCF-style: chr10-27012935-A-G. GRCh37 (hg19) VCF-style: chr10-27301864-A-G.
Other names: c.4897T>C, p.Ser1633Pro (NM_001256053.2); short protein forms S1633P, S1634P.
Identifiers: ClinVar variation 2442443 (VCV002442443.3), dbSNP rs1346412801, ClinGen allele CA376354466.
Genomic context (GRCh38, chr10:27,012,935, plus strand): 5'-AACTAACCTTGCTCAAGTAGTTCTCCATGCTATTATTTGAAGCCCGTGGATTTGAGGTAG[A>G]GATCACTAAGTTTTCTCTTGGAATAAGTTTTCTGTTGAGATCTAAACTATTATTAAGATT-3'
Protein context (NP_055730.2, residues 1624-1644): KLIPRENLVI[Ser1634Pro]TSNPRASNNS